The following is an entry in ClinVar:

NM_001099856.6(IKBKG):c.104G>C (p.Ser35Thr)

Genes: G6PD (glucose-6-phosphate dehydrogenase; minus strand), IKBKG (inhibitor of nuclear factor kappa B kinase regulatory subunit gamma; plus strand), LOC108281126 (G6PD and IKBKG intron CAGE-defined low expression enhancer; plus strand). Cytogenetic location: Xq28.
Variant type: single nucleotide variant.
Coding change: c.104G>C on transcript NM_001099856.6; coding-DNA position 104, G replaced by C.
Protein change: p.Ser35Thr; replaces serine 35 with threonine.
Molecular consequence: missense variant. On other transcripts: 5 prime UTR variant (1), intron variant (5).
Genome position (GRCh38, 1-based): chrX:154,542,367, G>C. VCF-style: chrX-154542367-G-C. GRCh37 (hg19) VCF-style: chrX-153770582-G-C.
Other names: c.-36G>C (NM_001321396.3); c.210+3669C>G (NM_000402.4); c.120+3669C>G (NM_001042351.3, NM_001360016.2); c.-16+976G>C (NM_001377312.1, NM_001377313.1); short protein forms S35T.
Identifiers: ClinVar variation 3376313 (VCV003376313.1).

ClinVar aggregate classification (germline): Uncertain significance (1 of 4 stars; one submission).

Conditions:
Incontinentia pigmenti syndrome (IP). Also called: BLOCH-SULZBERGER SYNDROME; INCONTINENTIA PIGMENTI, FAMILIAL MALE-LETHAL TYPE; INCONTINENTIA PIGMENTI, TYPE II; Incontinentia Pigmenti. Identifiers: Orphanet 464, MedGen C0021171, MONDO:0010631, OMIM 308300.

gnomAD v4.1: 4 of 1,207,426 alleles (0.00033%); highest among the groups gnomAD compares: Non-Finnish European, 0.00034%; no homozygotes.

Submission:

Pittsburgh Clinical Genomics Laboratory, University of Pittsburgh Medical Center
Classification: Uncertain significance for Incontinentia pigmenti syndrome. Last evaluated: 2023-06-20. Review status: criteria provided, single submitter. Criteria: ACMG Guidelines, 2015. Collection method: clinical testing. Allele origin: germline. Inheritance: X-linked inheritance. Affected: yes.
Comment: This sequence variant is a single nucleotide substitution (G>C) at position 104 of the coding sequence of the IKBKG gene that results in a serine to threonine amino acid change at residue 35 of the inhibitor of nuclear factor kappa B kise regulatory subunit gamma protein. This variant is absent from ClinVar and has not been observed in the published literature in affected individuals, to our knowledge. This variant is absent from the gnomAD population database (0/~112,000 alleles). Multiple bioinformatic tools predict that this serine to threonine amino acid change would be neutral, and the Ser35 residue is moderately conserved across the vertebrate species examined. Studies examining the functiol consequence of this variant have not been performed, to our knowledge. At this time, there is insufficient evidence to determine if this variant is pathogenic or benign. Therefore, we consider this to be a variant of uncertain significance. ACMG Criteria: BP4, PM2